The following is an entry in ClinVar:

NM_000289.6(PFKM):c.702A>T (p.Pro234=)

Gene: PFKM (phosphofructokinase, muscle; plus strand). Cytogenetic location: 12q13.11.
Variant type: single nucleotide variant.
Coding change: c.702A>T on transcript NM_000289.6 (MANE Select); coding-DNA position 702, A replaced by T.
Protein change: p.Pro234=; no amino-acid change (proline 234 retained).
Molecular consequence: synonymous variant. On other transcripts: non-coding transcript variant (6).
Genome position (GRCh38, 1-based): chr12:48,134,784, A>T. VCF-style: chr12-48134784-A-T. GRCh37 (hg19) VCF-style: chr12-48528567-A-T.
Other names: p.Pro234=; c.915A>T, p.Pro305= (NM_001166686.2, NM_001354737.1, NM_001354738.1 and 1 more transcripts); c.702A>T, p.Pro234= (NM_001166687.2, NM_001166688.2, NM_001354742.2 and 4 more transcripts); c.1011A>T, p.Pro337= (NM_001354735.1, NM_001354736.1); c.846A>T, p.Pro282= (NM_001354740.1); c.726A>T, p.Pro242= (NM_001354741.2); c.615A>T, p.Pro205= (NM_001354745.2); c.552A>T, p.Pro184= (NM_001354747.2, NM_001354748.2).
Identifiers: ClinVar variation 506772 (VCV000506772.25), dbSNP rs138022863, ClinGen allele CA6537082.

ClinVar aggregate classification (germline): Benign/Likely benign. Review status: criteria provided, multiple submitters, no conflicts (2 of 4 stars). 6 submissions from 6 submitters: Benign (1); Likely benign (5). Last evaluated 2026-01-31.

Conditions:
Glycogen storage disease, type VII (GSD7). Also called: GSD VII; MUSCLE PHOSPHOFRUCTOKINASE DEFICIENCY; PFKM DEFICIENCY; TARUI DISEASE. Identifiers: Orphanet 371, MedGen C0017926, MONDO:0009295, OMIM 232800.

Allele frequency attached by ClinVar (database versions not stated): TOPMed 0.00174; gnomAD 0.00185; ESP Exome Variant Server 0.00284; 1000 Genomes Project 30x 0.00297; 1000 Genomes Project 0.00300.
gnomAD v4.1: 492 of 1,614,062 alleles (0.03%); highest among the groups gnomAD compares: African/African-American, 0.59%; 3 homozygotes.

Submissions (7):

Labcorp Genetics (formerly Invitae), Labcorp
Classification: Benign for Glycogen storage disease, type VII. Last evaluated: 2026-01-31. Review status: criteria provided, single submitter. Criteria: Invitae Variant Classification Sherloc (09022015). Collection method: clinical testing. Allele origin: germline.

Mayo Clinic Laboratories, Mayo Clinic
Classification: Likely benign. Last evaluated: 2025-07-16. Review status: criteria provided, single submitter. Criteria: ACMG Guidelines, 2015. Collection method: clinical testing. Allele origin: germline. Observed: 5 variant alleles.

Blueprint Genetics
Classification: Likely benign. Last evaluated: 2024-10-24. Review status: criteria provided, single submitter. Criteria: ACMG Guidelines, 2015. Collection method: clinical testing. Allele origin: germline.

ARUP Laboratories, Molecular Genetics and Genomics, ARUP Laboratories
Classification: Likely benign for Glycogen storage disease, type VII. Last evaluated: 2024-05-28. Review status: criteria provided, single submitter. Criteria: ARUP Molecular Germline Variant Investigation Process 2024. Collection method: clinical testing. Allele origin: germline.

GeneDx
Classification: Likely benign. Last evaluated: 2020-11-10. Review status: criteria provided, single submitter. Criteria: GeneDx Variant Classification Process June 2021. Collection method: clinical testing. Allele origin: germline. Affected: yes.

Illumina Laboratory Services, Illumina
Classification: Likely benign for Glycogen storage disease, type VII. Last evaluated: 2018-01-13. Review status: criteria provided, single submitter. Criteria: ICSL Variant Classification Criteria 13 December 2019. Collection method: clinical testing. Allele origin: germline.
Comment: This variant was observed in the ICSL laboratory as part of a predisposition screen in an ostensibly healthy population. It had not been previously curated by ICSL or reported in the Human Gene Mutation Database (HGMD: prior to June 1st, 2018), and was therefore a candidate for classification through an automated scoring system. Utilizing variant allele frequency, disease prevalence and penetrance estimates, and inheritance mode, an automated score was calculated to assess if this variant is too frequent to cause the disease. Based on the score and internal cut-off values, a variant classified as likely benign is not then subjected to further curation. The score for this variant resulted in a classification of likely benign for this disease.

Dr. Peter K. Rogan Lab, Western University
No classification provided (evidence only). Condition: Gastric cancer. Review status: no classification provided. Collection method: in vitro. Allele origin: not applicable. Functional consequence: retained intron. Not counted in ClinVar's aggregate classification.